The following is an entry in ClinVar:

NM_003047.5(SLC9A1):c.2055G>A (p.Thr685=)

Gene: SLC9A1 (solute carrier family 9 member A1; minus strand). Cytogenetic location: 1p36.11.
Variant type: single nucleotide variant.
Coding change: c.2055G>A on transcript NM_003047.5 (MANE Select); coding-DNA position 2055, G replaced by A.
Protein change: p.Thr685=; no amino-acid change (threonine 685 retained).
Molecular consequence: synonymous variant. On other transcripts: non-coding transcript variant (1).
Genome position (GRCh38, 1-based): chr1:27,101,258, C>T on the plus strand (G>A on the coding strand, the complement: SLC9A1 is on the minus strand). VCF-style: chr1-27101258-C-T. GRCh37 (hg19) VCF-style: chr1-27427749-C-T.
Identifiers: ClinVar variation 3054032 (VCV003054032.2), dbSNP rs200610741, ClinGen allele CA710889.

ClinVar aggregate classification (germline): Likely benign (0 of 4 stars; one submission).

Conditions:
SLC9A1-related disorder. Also called: SLC9A1-related condition.

Allele frequency attached by ClinVar (database versions not stated): TOPMed 0.00001; gnomAD 0.00002; ExAC 0.00003; gnomAD exomes 0.00004; 1000 Genomes Project 30x 0.00016; 1000 Genomes Project 0.00020.
gnomAD v4.1: 57 of 1,612,200 alleles (0.0035%); highest among the groups gnomAD compares: East Asian, 0.0089%; no homozygotes.

Submission:

PreventionGenetics, part of Exact Sciences
Classification: Likely benign for SLC9A1-related condition. Last evaluated: 2020-07-14. Review status: no assertion criteria provided. Collection method: clinical testing. Allele origin: germline.
Comment: This variant is classified as likely benign based on ACMG/AMP sequence variant interpretation guidelines (Richards et al. 2015 PMID: 25741868, with internal and published modifications).